The following is an entry in ClinVar:

NM_000138.5(FBN1):c.4906G>A (p.Gly1636Ser)

Gene: FBN1 (fibrillin 1; minus strand). Cytogenetic location: 15q21.1.
Variant type: single nucleotide variant.
Coding change: c.4906G>A on transcript NM_000138.5 (MANE Select); coding-DNA position 4906, G replaced by A.
Protein change: p.Gly1636Ser; replaces glycine 1636 with serine.
Molecular consequence: missense variant.
Genome position (GRCh38, 1-based): chr15:48,465,604, C>T on the plus strand (G>A on the coding strand, the complement: FBN1 is on the minus strand). VCF-style: chr15-48465604-C-T. GRCh37 (hg19) VCF-style: chr15-48757801-C-T.
Other names: short protein forms G1636S.
Identifiers: ClinVar variation 923488 (VCV000923488.11), dbSNP rs767451077, ClinGen allele CA053926.

ClinVar aggregate classification (germline): Uncertain significance. Review status: criteria provided, multiple submitters, no conflicts (2 of 4 stars). 5 submissions from 5 submitters: Uncertain significance (5). Last evaluated 2025-05-13.

Conditions:
Marfan syndrome (MFS). Also called: Marfan syndrome, classic; Marfan syndrome type 1; Marfan's syndrome; FBN1-Related Marfan Syndrome; MARFAN SYNDROME, TYPE I. Identifiers: Orphanet 284963, Orphanet 558, MedGen C0024796, MONDO:0007947, OMIM 154700.
Familial thoracic aortic aneurysm and aortic dissection (TAAD). Also called: Thoracic aortic aneurysms and dissections. Identifiers: Orphanet 91387, MedGen C4707243, MONDO:0019625.

Allele frequency attached by ClinVar (database versions not stated): gnomAD exomes 0.00001 and below 0.00001; ExAC 0.00001.
gnomAD v4.1: 7 of 1,614,088 alleles (0.00043%); highest among the groups gnomAD compares: East Asian, 0.0022%; no homozygotes.

Submissions (5):

Women's Health and Genetics/Laboratory Corporation of America, LabCorp
Classification: Uncertain significance. Last evaluated: 2025-05-13. Review status: criteria provided, single submitter. Criteria: LabCorp Variant Classification Summary - May 2015. Collection method: clinical testing. Allele origin: germline.
Comment: Variant summary: FBN1 c.4906G>A (p.Gly1636Ser) results in a non-conservative amino acid change in the encoded protein sequence. Algorithms developed to predict the effect of missense changes on protein structure and function all suggest that this variant is likely to be disruptive. The variant allele was found at a frequency of 8e-06 in 251318 control chromosomes. The available data on variant occurrences in the general population are insufficient to allow any conclusion about variant significance. To our knowledge, no occurrence of c.4906G>A in individuals affected with Marfan Syndrome and no experimental evidence demonstrating its impact on protein function have been reported. ClinVar contains an entry for this variant (Variation ID: 923488). Based on the evidence outlined above, the variant was classified as uncertain significance.

Color Diagnostics, LLC DBA Color Health
Classification: Uncertain significance for Familial thoracic aortic aneurysm and aortic dissection. Last evaluated: 2024-08-27. Review status: criteria provided, single submitter. Criteria: ACMG Guidelines, 2015. Collection method: clinical testing. Allele origin: germline.
Comment: This missense variant replaces glycine with serine at codon 1636 of the FBN1 protein. Computational prediction tools indicate that this variant has a deleterious impact on protein structure and function. To our knowledge, functional studies have not been reported for this variant. This variant has not been reported in individuals affected with FBN1-related disorders in the literature. This variant has been identified in 2/251318 chromosomes in the general population by the Genome Aggregation Database (gnomAD). The available evidence is insufficient to determine the role of this variant in disease conclusively. Therefore, this variant is classified as a Variant of Uncertain Significance.

All of Us Research Program, National Institutes of Health
Classification: Uncertain significance for Marfan syndrome. Last evaluated: 2024-08-06. Review status: criteria provided, single submitter. Criteria: ACMG Guidelines, 2015. Collection method: clinical testing. Allele origin: germline. Inheritance: Autosomal dominant inheritance. Observed: 3 variant alleles, 3 heterozygotes.
Comment: This missense variant replaces glycine with serine at codon 1636 of the FBN1 protein. Computational prediction suggests that this variant may have deleterious impact on protein structure and function (internally defined REVEL score threshold >= 0.7, PMID: 27666373). Splice site prediction tools suggest that this variant may not impact RNA splicing. To our knowledge, functional studies have not been reported for this variant. This variant has not been reported in individuals affected with cardiovascular disorders in the literature. This variant has been identified in 2/251318 chromosomes in the general population by the Genome Aggregation Database (gnomAD). The available evidence is insufficient to determine the role of this variant in disease conclusively. Therefore, this variant is classified as a Variant of Uncertain Significance.

This study involves interpretation of variants in research participants for the purpose of population health screening. Participant phenotype was not available at the time of variant classification. Additional details can be found in publication PMID: 35346344, PMCID: PMC8962531

AiLife Diagnostics
Classification: Uncertain significance. Last evaluated: 2022-02-11. Review status: criteria provided, single submitter. Criteria: ACMG Guidelines, 2015. Collection method: clinical testing. Allele origin: germline. Affected: yes. Observed: 1 variant allele.

Labcorp Genetics (formerly Invitae), Labcorp
Classification: Uncertain significance for Marfan syndrome; Familial thoracic aortic aneurysm and aortic dissection. Last evaluated: 2022-01-16. Review status: criteria provided, single submitter. Criteria: Invitae Variant Classification Sherloc (09022015). Collection method: clinical testing. Allele origin: germline.
Comment: Algorithms developed to predict the effect of sequence changes on RNA splicing suggest that this variant may create or strengthen a splice site. In summary, the available evidence is currently insufficient to determine the role of this variant in disease. Therefore, it has been classified as a Variant of Uncertain Significance. Advanced modeling of protein sequence and biophysical properties (such as structural, functional, and spatial information, amino acid conservation, physicochemical variation, residue mobility, and thermodynamic stability) performed at Invitae indicates that this missense variant is expected to disrupt FBN1 protein function. This sequence change replaces glycine, which is neutral and non-polar, with serine, which is neutral and polar, at codon 1636 of the FBN1 protein (p.Gly1636Ser). This variant is present in population databases (rs767451077, gnomAD 0.0009%). This variant has not been reported in the literature in individuals affected with FBN1-related conditions. ClinVar contains an entry for this variant (Variation ID: 923488).